The following is an entry in ClinVar:

NM_007294.4(BRCA1):c.4470A>T (p.Glu1490Asp)

Gene: BRCA1 (BRCA1 DNA repair associated; minus strand). Cytogenetic location: 17q21.31.
Variant type: single nucleotide variant.
Coding change: c.4470A>T on transcript NM_007294.4 (MANE Select); coding-DNA position 4470, A replaced by T.
Protein change: p.Glu1490Asp; replaces glutamic acid 1490 with aspartic acid.
Molecular consequence: missense variant. On other transcripts: non-coding transcript variant (1).
Genome position (GRCh38, 1-based): chr17:43,076,502, T>A on the plus strand (A>T on the coding strand, the complement: BRCA1 is on the minus strand). VCF-style: chr17-43076502-T-A. GRCh37 (hg19) VCF-style: chr17-41228519-T-A.
Other names: c.1017A>T, p.Glu339Asp (NM_001408465.1, NM_001408466.1, NM_001408467.1 and 7 more transcripts); c.1014A>T, p.Glu338Asp (NM_001408468.1, NM_001408469.1, NM_001408470.1); c.1158A>T, p.Glu386Asp (NM_001408472.1, NM_007298.4, NM_007299.4 and 13 more transcripts); c.1155A>T, p.Glu385Asp (NM_001408473.1, NM_001408392.1, NM_001408396.1 and 8 more transcripts); c.960A>T, p.Glu320Asp (NM_001408474.1); c.957A>T, p.Glu319Asp (NM_001408475.1, NM_001408476.1); c.951A>T, p.Glu317Asp (NM_001408478.1, NM_001408479.1, NM_001408480.1); c.948A>T, p.Glu316Asp (NM_001408481.1, NM_001408482.1, NM_001408483.1 and 5 more transcripts); and 68 more; short protein forms E1490D, E1443D, E386D, E1511D, E1418D, E1420D, E1446D, E1448D.
Identifiers: ClinVar variation 482951 (VCV000482951.7), dbSNP rs1555582549, ClinGen allele CA10592590.
Genomic context (GRCh38, chr17:43,076,502, plus strand): 5'-ATAAAGATGTCAGATACCACAGCATCTTTACATTGATGTTTCTTACCTTTCCACTCCTGG[T>A]TCTTTATTTTTACTGGTAGAACTATCTGCAGACACCTCAAACTTGTCAGCAGAAAGGCCT-3'
Protein context (NP_009225.1, residues 1480-1500): SADSSTSKNK[Glu1490Asp]PGVERSSPSK

ClinVar aggregate classification (germline): Uncertain significance. Review status: criteria provided, multiple submitters, no conflicts (2 of 4 stars). 2 submissions from 2 submitters: Uncertain significance (2). Last evaluated 2025-09-10.

Conditions:
Hereditary cancer-predisposing syndrome. Also called: Neoplastic Syndromes, Hereditary; Tumor predisposition; Hereditary Cancer Syndrome; Hereditary neoplastic syndrome. Identifiers: Orphanet 140162, MedGen C0027672, MeSH D009386, MONDO:0015356.

Submissions (2):

Women's Health and Genetics/Laboratory Corporation of America, LabCorp
Classification: Uncertain significance. Last evaluated: 2025-09-10. Review status: criteria provided, single submitter. Criteria: LabCorp Variant Classification Summary - May 2015. Collection method: clinical testing. Allele origin: germline.

Ambry Genetics
Classification: Uncertain significance for Hereditary cancer-predisposing syndrome. Last evaluated: 2019-02-28. Review status: criteria provided, single submitter. Criteria: Ambry Variant Classification Scheme 2023. Collection method: clinical testing. Allele origin: germline.
Comment: The p.E1490D variant (also known as c.4470A>T), located in coding exon 12 of the BRCA1 gene, results from an A to T substitution at nucleotide position 4470. The glutamic acid at codon 1490 is replaced by aspartic acid, an amino acid with highly similar properties. This amino acid position is well conserved on limited sequence alignment. In addition, this alteration is predicted to be tolerated by in silico analysis. Since supporting evidence is limited at this time, the clinical significance of this alteration remains unclear.